The following is an entry in ClinVar:

NM_152783.5(D2HGDH):c.697G>A (p.Gly233Ser)

Gene: D2HGDH (D-2-hydroxyglutarate dehydrogenase; plus strand). Cytogenetic location: 2q37.3.
Variant type: single nucleotide variant.
Coding change: c.697G>A on transcript NM_152783.5 (MANE Select); coding-DNA position 697, G replaced by A.
Protein change: p.Gly233Ser; replaces glycine 233 with serine.
Molecular consequence: missense variant. On other transcripts: non-coding transcript variant (1).
Genome position (GRCh38, 1-based): chr2:241,744,721, G>A. VCF-style: chr2-241744721-G-A. GRCh37 (hg19) VCF-style: chr2-242684136-G-A.
Other names: c.295G>A, p.Gly99Ser (NM_001287249.2); c.136G>A, p.Gly46Ser (NM_001352824.2); short protein forms G46S, G99S, G233S.
Identifiers: ClinVar variation 898353 (VCV000898353.9), dbSNP rs374535734, ClinGen allele CA2221751.
Genomic context (GRCh38, chr2:241,744,721, plus strand): 5'-TTGTCAGGAGGCTGGCAGGTGGGTGAACGTGCTTCTCTTTGCCCCAAGGTGCTGGCCGAC[G>A]GCACTGTCCTGGACTGCCTGACCTCCCTGAGGAAGGACAACACGGGCTATGACCTGAAGC-3'
Protein context (NP_689996.4, residues 223-243): VLGLEVVLAD[Gly233Ser]TVLDCLTSLR

ClinVar aggregate classification (germline): Uncertain significance. Review status: criteria provided, multiple submitters, no conflicts (2 of 4 stars). 2 submissions from 2 submitters: Uncertain significance (2). Last evaluated 2021-09-02.

Conditions:
D-2-hydroxyglutaric aciduria 1 (D2HGA1). Identifiers: Orphanet 79315, MedGen C3152055, MONDO:0024554, OMIM 600721.

Allele frequency attached by ClinVar (database versions not stated): gnomAD 0.00001; TOPMed 0.00001; ExAC 0.00002; ESP Exome Variant Server 0.00008.
gnomAD v4.1: 34 of 1,614,112 alleles (0.0021%); highest among the groups gnomAD compares: Non-Finnish European, 0.0025%; no homozygotes.

Submissions (2):

Labcorp Genetics (formerly Invitae), Labcorp
Classification: Uncertain significance for D-2-hydroxyglutaric aciduria 1. Last evaluated: 2021-09-02. Review status: criteria provided, single submitter. Criteria: Invitae Variant Classification Sherloc (09022015). Collection method: clinical testing. Allele origin: germline.
Comment: This sequence change replaces glycine with serine at codon 233 of the D2HGDH protein (p.Gly233Ser). The glycine residue is highly conserved and there is a small physicochemical difference between glycine and serine. This variant is present in population databases (rs374535734, ExAC 0.003%). This missense change has been observed in individual(s) with D-2-hydroxyglutaric aciduria (PMID: 20020533; Invitae). ClinVar contains an entry for this variant (Variation ID: 898353). Algorithms developed to predict the effect of missense changes on protein structure and function (SIFT, PolyPhen-2, Align-GVGD) all suggest that this variant is likely to be disruptive. Experimental studies have shown that this missense change affects D2HGDH function (PMID: 30908763). Algorithms developed to predict the effect of sequence changes on RNA splicing suggest that this variant may create or strengthen a splice site. In summary, the available evidence is currently insufficient to determine the role of this variant in disease. Therefore, it has been classified as a Variant of Uncertain Significance.

Illumina Laboratory Services, Illumina
Classification: Uncertain significance for D-2-hydroxyglutaric aciduria 1. Last evaluated: 2017-04-28. Review status: criteria provided, single submitter. Criteria: ICSL Variant Classification Criteria 13 December 2019. Collection method: clinical testing. Allele origin: germline.
Comment: This variant was observed as part of a predisposition screen in an ostensibly healthy population. A literature search was performed for the gene, cDNA change, and amino acid change (where applicable). Publications were found based on this search. However, the evidence from the literature, in combination with allele frequency data from public databases where available, was not sufficient to rule this variant in or out of causing disease. Therefore, this variant is classified as a variant of unknown significance.

Literature cited by the submitters: PubMed 20020533 (cited by Labcorp Genetics (formerly Invitae), Labcorp and Illumina Laboratory Services, Illumina); PubMed 30908763 (cited by Labcorp Genetics (formerly Invitae), Labcorp).